The following is an entry in ClinVar:

NM_058246.4(DNAJB6):c.925A>C (p.Lys309Gln)

Gene: DNAJB6 (DnaJ heat shock protein family (Hsp40) member B6; plus strand). Cytogenetic location: 7q36.3.
Variant type: single nucleotide variant.
Coding change: c.925A>C on transcript NM_058246.4 (MANE Select); coding-DNA position 925, A replaced by C.
Protein change: p.Lys309Gln; replaces lysine 309 with glutamine.
Molecular consequence: missense variant.
Genome position (GRCh38, 1-based): chr7:157,416,042, A>C. VCF-style: chr7-157416042-A-C. GRCh37 (hg19) VCF-style: chr7-157208736-A-C.
Other names: c.580A>C, p.Lys194Gln (NM_001363676.1); short protein forms K194Q, K309Q.
Identifiers: ClinVar variation 4721449 (VCV004721449.1).

ClinVar aggregate classification (germline): Uncertain significance (1 of 4 stars; one submission).

Conditions:
Autosomal dominant limb-girdle muscular dystrophy type 1D (DNAJB6) (LGMDD1). Also called: MUSCULAR DYSTROPHY, LIMB-GIRDLE, TYPE 1D; MUSCULAR DYSTROPHY, AUTOSOMAL DOMINANT, WITH RIMMED VACUOLES; Autosomal dominant limb-girdle muscular dystrophy type 1D; Muscular dystrophy, limb-girdle, autosomal dominant 1. Identifiers: Orphanet 34516, MedGen C4721885, MONDO:0021018, OMIM 603511.

Submission:

Labcorp Genetics (formerly Invitae), Labcorp
Classification: Uncertain significance for Autosomal dominant limb-girdle muscular dystrophy type 1D (DNAJB6). Last evaluated: 2025-05-22. Review status: criteria provided, single submitter. Criteria: Invitae Variant Classification Sherloc (09022015). Collection method: clinical testing. Allele origin: germline.
Comment: This sequence change replaces lysine, which is basic and polar, with glutamine, which is neutral and polar, at codon 309 of the DNAJB6 protein (p.Lys309Gln). This variant is not present in population databases (gnomAD no frequency). This variant has not been reported in the literature in individuals affected with DNAJB6-related conditions. Invitae Evidence Modeling of protein sequence and biophysical properties (such as structural, functional, and spatial information, amino acid conservation, physicochemical variation, residue mobility, and thermodynamic stability) indicates that this missense variant is not expected to disrupt DNAJB6 protein function with a negative predictive value of 95%. In summary, the available evidence is currently insufficient to determine the role of this variant in disease. Therefore, it has been classified as a Variant of Uncertain Significance.